The following is an entry in ClinVar:

ClinVar aggregate classification (germline): Uncertain significance (1 of 4 stars; one submission).

Conditions:
Amyotrophic lateral sclerosis type 1 (ALS1). Also called: AMYOTROPHIC LATERAL SCLEROSIS 1, FAMILIAL. Identifiers: Orphanet 803, MedGen C1862939, MONDO:0007103, OMIM 105400.
Neuronopathy, distal hereditary motor, type 7B. Also called: NEURONOPATHY, DISTAL HEREDITARY MOTOR, AUTOSOMAL DOMINANT 14; NEURONOPATHY, DISTAL HEREDITARY MOTOR, HARDING TYPE VIIB; NEUROPATHY, DISTAL HEREDITARY MOTOR, HARDING TYPE VIIB; NEUROPATHY, DISTAL HEREDITARY MOTOR, WITH VOCAL CORD PARALYSIS, HARDING TYPE VIIB; HMN VIIB; LOWER MOTOR NEURON DISEASE, DYNACTIN TYPE. Identifiers: Orphanet 139589, MedGen C1843315, MONDO:0011879, OMIM 607641.
Perry syndrome. Also called: PARKINSONISM WITH ALVEOLAR HYPOVENTILATION AND MENTAL DEPRESSION. Identifiers: Orphanet 178509, MedGen C1868594, MONDO:0008201, OMIM 168605.

Allele frequency attached by ClinVar (database versions not stated): gnomAD exomes below 0.00001 and 0.00001; ExAC 0.00001; gnomAD 0.00001; TOPMed 0.00001.
gnomAD v4.1: 6 of 1,614,130 alleles (0.00037%); highest among the groups gnomAD compares: Non-Finnish European, 0.00051%; no homozygotes.

Submission:

Labcorp Genetics (formerly Invitae), Labcorp
Classification: Uncertain significance for Amyotrophic lateral sclerosis type 1; Neuronopathy, distal hereditary motor, type 7B; Perry syndrome. Last evaluated: 2024-05-21. Review status: criteria provided, single submitter. Criteria: Invitae Variant Classification Sherloc (09022015). Collection method: clinical testing. Allele origin: germline.
Comment: This sequence change replaces glutamine, which is neutral and polar, with arginine, which is basic and polar, at codon 537 of the DCTN1 protein (p.Gln537Arg). This variant is present in population databases (rs4994503, gnomAD 0.002%). This variant has not been reported in the literature in individuals affected with DCTN1-related conditions. ClinVar contains an entry for this variant (Variation ID: 1036954). Advanced modeling of protein sequence and biophysical properties (such as structural, functional, and spatial information, amino acid conservation, physicochemical variation, residue mobility, and thermodynamic stability) performed at Invitae indicates that this missense variant is not expected to disrupt DCTN1 protein function with a negative predictive value of 80%. In summary, the available evidence is currently insufficient to determine the role of this variant in disease. Therefore, it has been classified as a Variant of Uncertain Significance.

NM_004082.5(DCTN1):c.1610A>G (p.Gln537Arg)

Gene: DCTN1 (dynactin subunit 1; minus strand). Cytogenetic location: 2p13.1.
Variant type: single nucleotide variant.
Coding change: c.1610A>G on transcript NM_004082.5 (MANE Select); coding-DNA position 1610, A replaced by G.
Protein change: p.Gln537Arg; replaces glutamine 537 with arginine.
Molecular consequence: missense variant. On other transcripts: non-coding transcript variant (1).
Genome position (GRCh38, 1-based): chr2:74,369,189, T>C on the plus strand (A>G on the coding strand, the complement: DCTN1 is on the minus strand). VCF-style: chr2-74369189-T-C. GRCh37 (hg19) VCF-style: chr2-74596316-T-C.
Other names: c.1550A>G, p.Gln517Arg (NM_001135040.3); c.1208A>G, p.Gln403Arg (NM_001135041.3, NM_023019.4); c.1499A>G, p.Gln500Arg (NM_001190836.2); c.1589A>G, p.Gln530Arg (NM_001190837.2); c.1559A>G, p.Gln520Arg (NM_001378991.1); c.1541A>G, p.Gln514Arg (NM_001378992.1); short protein forms Q403R, Q500R, Q514R, Q517R, Q530R, Q537R, Q520R.
Identifiers: ClinVar variation 1036954 (VCV001036954.9), dbSNP rs4994503, ClinGen allele CA1722090.
Genomic context (GRCh38, chr2:74,369,189, plus strand): 5'-ATTTTGAAGTCAAAGGTCTCTGGAGGTGGCTGCTGTTGCCTCTCCACAGATGCTTCCTGC[T>C]GGTTTGTCAGTTCCCGATTCACATCCTAGGAGGAGAGACAGTGAAGCACAGCTGGGTCAT-3'
Protein context (NP_004073.2, residues 527-547): LQDVNRELTN[Gln537Arg]QEASVERQQQ